The following is an entry in ClinVar:

NM_000843.4(GRM6):c.1639C>T (p.Arg547Cys)

Genes: GRM6 (glutamate metabotropic receptor 6; minus strand), ZNF454 (zinc finger protein 454; plus strand). Cytogenetic location: 5q35.3.
Variant type: single nucleotide variant.
Coding change: c.1639C>T on transcript NM_000843.4 (MANE Select); coding-DNA position 1639, C replaced by T.
Protein change: p.Arg547Cys; replaces arginine 547 with cysteine.
Molecular consequence: missense variant.
Genome position (GRCh38, 1-based): chr5:178,986,615, G>A on the plus strand (C>T on the coding strand, the complement: GRM6 is on the minus strand). VCF-style: chr5-178986615-G-A. GRCh37 (hg19) VCF-style: chr5-178413616-G-A.
Other names: short protein forms R547C.
Identifiers: ClinVar variation 167158 (VCV000167158.13), dbSNP rs182751201, ClinGen allele CA234098.

ClinVar aggregate classification (germline): Uncertain significance. Review status: criteria provided, multiple submitters, no conflicts (2 of 4 stars). 4 submissions from 4 submitters: Uncertain significance (4). Last evaluated 2024-09-09.

Conditions:
Inborn genetic diseases. Identifiers: MedGen C0950123, MeSH D030342.

Allele frequency attached by ClinVar (database versions not stated): TOPMed 0.00019; 1000 Genomes Project 0.00020; ESP Exome Variant Server 0.00008; ExAC 0.00014; gnomAD exomes 0.00020 and 0.00027; gnomAD 0.00027 and 0.00025; 1000 Genomes Project 30x 0.00016.
gnomAD v4.1: 431 of 1,603,628 alleles (0.027%); highest among the groups gnomAD compares: Middle Eastern, 0.13%; no homozygotes.

Submissions (4):

Blueprint Genetics
Classification: Uncertain significance. Last evaluated: 2024-09-09. Review status: criteria provided, single submitter. Criteria: ACMG Guidelines, 2015. Collection method: clinical testing. Allele origin: germline.

Labcorp Genetics (formerly Invitae), Labcorp
Classification: Uncertain significance. Last evaluated: 2022-11-01. Review status: criteria provided, single submitter. Criteria: Invitae Variant Classification Sherloc (09022015). Collection method: clinical testing. Allele origin: germline.
Comment: This sequence change replaces arginine, which is basic and polar, with cysteine, which is neutral and slightly polar, at codon 547 of the GRM6 protein (p.Arg547Cys). This variant is present in population databases (rs182751201, gnomAD 0.03%). This variant has not been reported in the literature in individuals affected with GRM6-related conditions. ClinVar contains an entry for this variant (Variation ID: 167158). Advanced modeling of protein sequence and biophysical properties (such as structural, functional, and spatial information, amino acid conservation, physicochemical variation, residue mobility, and thermodynamic stability) performed at Invitae indicates that this missense variant is not expected to disrupt GRM6 protein function. In summary, the available evidence is currently insufficient to determine the role of this variant in disease. Therefore, it has been classified as a Variant of Uncertain Significance.

Ambry Genetics
Classification: Uncertain significance for Inborn genetic diseases. Last evaluated: 2022-09-07. Review status: criteria provided, single submitter. Criteria: Ambry Variant Classification Scheme 2023. Collection method: clinical testing. Allele origin: germline.

Eurofins Ntd Llc (ga)
Classification: Uncertain significance. Last evaluated: 2014-04-27. Review status: criteria provided, single submitter. Criteria: EGL Classification Definitions 2015. Collection method: clinical testing. Allele origin: germline. Observed: 1 variant allele, 1 heterozygote.